The following is an entry in ClinVar:

ClinVar aggregate classification (germline): Benign. Review status: criteria provided, multiple submitters, no conflicts (2 of 4 stars). 10 submissions from 9 submitters: Benign (9). 1 of the submissions does not count toward it. Last evaluated 2026-02-04.

Conditions:
Familial cancer of breast. Also called: BREAST CANCER, FAMILIAL; Hereditary breast cancer; hereditary breast carcinoma. Identifiers: Orphanet 227535, MedGen C0346153, MONDO:0016419, OMIM 114480. Disease mechanism: loss of function.
Hereditary cancer-predisposing syndrome. Also called: Tumor predisposition; Hereditary neoplastic syndrome; Hereditary Cancer Syndrome; Neoplastic Syndromes, Hereditary. Identifiers: Orphanet 140162, MedGen C0027672, MeSH D009386, MONDO:0015356.
Nijmegen breakage syndrome-like disorder (NBSLD). Also called: MICROCEPHALY AND SPONTANEOUS CHROMOSOME INSTABILITY WITHOUT IMMUNODEFICIENCY; NBS-LIKE DISORDER; RAD50 DEFICIENCY. Identifiers: Orphanet 240760, MedGen C2751318, MONDO:0013118, OMIM 613078.

Allele frequency attached by ClinVar (database versions not stated): TOPMed 0.16757; 1000 Genomes Project 0.16773; 1000 Genomes Project 30x 0.16818; ESP Exome Variant Server 0.17587; gnomAD 0.17902 and 0.18153; gnomAD exomes 0.19717; ExAC 0.19877.
gnomAD v4.1: 311,597 of 1,597,502 alleles (20%); highest among the groups gnomAD compares: South Asian, 23%; 31,613 homozygotes.

Submissions (10):

Labcorp Genetics (formerly Invitae), Labcorp
Classification: Benign for Hereditary cancer-predisposing syndrome. Last evaluated: 2026-02-04. Review status: criteria provided, single submitter. Criteria: Invitae Variant Classification Sherloc (09022015). Collection method: clinical testing. Allele origin: germline.

GeneKor MSA
Classification: Benign for Hereditary cancer-predisposing syndrome. Last evaluated: 2025-07-10. Review status: criteria provided, single submitter. Criteria: ACMG Guidelines, 2015. Collection method: clinical testing. Allele origin: germline.

KCCC/NGS Laboratory, Kuwait Cancer Control Center
Classification: Benign for Nijmegen breakage syndrome-like disorder. Last evaluated: 2025-02-01. Review status: criteria provided, single submitter. Criteria: ACMG Guidelines, 2015. Collection method: clinical testing. Allele origin: germline. Affected: no.

Blueprint Genetics
Classification: Benign. Last evaluated: 2024-11-26. Review status: criteria provided, single submitter. Criteria: ACMG Guidelines, 2015. Collection method: clinical testing. Allele origin: germline.

KCCC/NGS Laboratory, Kuwait Cancer Control Center
Classification: Benign for Familial cancer of breast. Last evaluated: 2023-07-07. Review status: criteria provided, single submitter. Criteria: ACMG Guidelines, 2015. Collection method: clinical testing. Allele origin: germline. Affected: yes.

Genome Diagnostics Laboratory, University Medical Center Utrecht
Classification: Benign for Nijmegen breakage syndrome-like disorder. Last evaluated: 2017-07-28. Review status: criteria provided, single submitter. Criteria: ACGS Guidelines, 2013. Collection method: clinical testing. Allele origin: germline. Affected: yes. Study: VKGL Data-share Consensus.

Women's Health and Genetics/Laboratory Corporation of America, LabCorp
Classification: Benign. Last evaluated: 2016-05-24. Review status: criteria provided, single submitter. Criteria: LabCorp Variant Classification Summary - May 2015. Collection method: clinical testing. Allele origin: germline.
Comment: Variant summary: The RAD50 c.551+19G>A variant involves the alteration of a non-conserved intronic nucleotide. One in silico tool predicts a benign outcome for this variant along with 4/5 splice site tools predicting the variant not to have an impact on splicing. This variant was found in 24021/120846 control chromosomes (2524 homozygotes) at a frequency of 0.1987736, which greatly exceeds the estimated maximal expected allele frequency of a pathogenic RAD50 variant (0.0000625), suggesting this variant is a common benign polymorphism. Taken together, this variant is classified as Benign.

GeneDx
Classification: Benign. Last evaluated: 2015-03-03. Review status: criteria provided, single submitter. Criteria: GeneDx Variant Classification Process June 2021. Collection method: clinical testing. Allele origin: germline. Affected: yes.
Comment: This variant is associated with the following publications: (PMID: 24093751)

PreventionGenetics, part of Exact Sciences
Classification: Benign. Review status: criteria provided, single submitter. Criteria: ACMG Guidelines, 2015. Collection method: clinical testing. Allele origin: germline.

Diagnostic Laboratory, Department of Genetics, University Medical Center Groningen
Classification: Benign for Nijmegen breakage syndrome-like disorder. Review status: no assertion criteria provided. Collection method: clinical testing. Allele origin: germline. Affected: yes. Study: VKGL Data-share Consensus. Not counted in ClinVar's aggregate classification.

NM_005732.4(RAD50):c.551+19G>A

Gene: RAD50 (RAD50 double strand break repair protein; plus strand). Cytogenetic location: 5q31.1.
Variant type: single nucleotide variant.
Coding change: c.551+19G>A on transcript NM_005732.4 (MANE Select); 19 bases into the intron after coding-DNA position 551, G replaced by A.
Molecular consequence: intron variant.
Genome position (GRCh38, 1-based): chr5:132,579,521, G>A. VCF-style: chr5-132579521-G-A. GRCh37 (hg19) VCF-style: chr5-131915213-G-A.
Identifiers: ClinVar variation 259870 (VCV000259870.18), dbSNP rs17166050, ClinGen allele CA3404993.
Genomic context (GRCh38, chr5:132,579,521, plus strand): 5'-GGCTTTGAAGCAAAAGTTTGATGAGATTTTTTCAGCAACAAGGTTTGTAACCCTTAAATA[G>A]ACTTTGTAGTCCATTAAGTTATTGAACTGTGTTTGCAATTTGGATGCTTCTTTTTAACAG-3'